The following is an entry in ClinVar:

NM_001385.3(DPYS):c.1254_1255del (p.His419fs)

Gene: DPYS (dihydropyrimidinase; minus strand). Cytogenetic location: 8q22.3.
Variant type: Deletion.
Coding change: c.1254_1255del on transcript NM_001385.3 (MANE Select); coding-DNA positions 1254 to 1255, 2 bases deleted (TC; older notation c.1254_1255delTC).
Protein change: p.His419fs; shifts the reading frame from histidine 419.
Molecular consequence: frameshift variant.
Genome position (GRCh38, 1-based): chr8:104,392,972-104,392,973, GA deleted on the plus strand (TC on the coding strand, the reverse complement: DPYS is on the minus strand); deleting any 2 consecutive bases within chr8:104,392,972-104,392,974 gives the same sequence; the c. name uses the placement nearest the transcript's 3' end. VCF-style (leftmost placement, unchanged base first): chr8-104392971-TGA-T. GRCh37 (hg19) VCF-style: chr8-105405199-TGA-T.
Other names: short protein forms H419fs.
Identifiers: ClinVar variation 4887835 (VCV004887835.1), dbSNP rs764541333.

ClinVar aggregate classification (germline): Likely pathogenic (1 of 4 stars; one submission).

Submission:

GeneDx
Classification: Likely pathogenic. Last evaluated: 2026-02-14. Review status: criteria provided, single submitter. Criteria: GeneDx Variant Classification Process June 2021. Collection method: clinical testing. Allele origin: germline.
Comment: Frameshift variant predicted to result in protein truncation or nonsense mediated decay in a gene for which loss of function is a known mechanism of disease; This variant is associated with the following publications: (PMID: 20362666)